The following is an entry in ClinVar:

ClinVar aggregate classification (germline): Uncertain significance (1 of 4 stars; one submission).

gnomAD v4.1: 36 of 1,537,140 alleles (0.0023%); highest among the groups gnomAD compares: Non-Finnish European, 0.0031%; no homozygotes.

Submission:

Women's Health and Genetics/Laboratory Corporation of America, LabCorp
Classification: Uncertain significance. Last evaluated: 2026-04-29. Review status: criteria provided, single submitter. Criteria: LabCorp Variant Classification Summary - May 2015. Collection method: clinical testing. Allele origin: germline.
Comment: Variant summary: PIEZO2 c.415C>T (p.Leu139Phe) results in a non-conservative amino acid change in the encoded protein sequence. Algorithms developed to predict the effect of missense changes on protein structure and function are either unavailable or do not agree on the potential impact of this missense change. The variant was absent in 145334 control chromosomes. The available data on variant occurrences in the general population are insufficient to allow any conclusion about variant significance. To our knowledge, no occurrence of c.415C>T in individuals affected with PIEZO2-related conditions and no experimental evidence demonstrating its impact on protein function have been reported. No submitters have cited clinical-significance assessments for this variant to ClinVar. Based on the evidence outlined above, the variant was classified as uncertain significance.

NM_001378183.1(PIEZO2):c.415C>T (p.Leu139Phe)

Gene: PIEZO2 (piezo type mechanosensitive ion channel component 2; minus strand). Cytogenetic location: 18p11.22.
Variant type: single nucleotide variant.
Coding change: c.415C>T on transcript NM_001378183.1 (MANE Select); coding-DNA position 415, C replaced by T.
Protein change: p.Leu139Phe; replaces leucine 139 with phenylalanine.
Molecular consequence: missense variant.
Genome position (GRCh38, 1-based): chr18:10,871,330, G>A on the plus strand (C>T on the coding strand, the complement: PIEZO2 is on the minus strand). VCF-style: chr18-10871330-G-A. GRCh37 (hg19) VCF-style: chr18-10871328-G-A.
Other names: c.415C>T, p.Leu139Phe (NM_001410871.1, NM_022068.4); short protein forms L139F.
Identifiers: ClinVar variation 4848450 (VCV004848450.1).
Genomic context (GRCh38, chr18:10,871,330, plus strand): 5'-ACTCCGGGTTACTCTGTGCTGCTTCGTCTGTCACAGGTTTCTGAACAATGTTTCTACAGA[G>A]GAGCCAGATGGTCAGACTAGCAATGAACATCCCGATGTCAGGTACAAACACTCTGATCCC-3'
Protein context (NP_001365112.1, residues 129-149): MFIASLTIWL[Leu139Phe]CRNIVQKPVT